The following is an entry in ClinVar:

ClinVar aggregate classification (germline): Benign. Review status: criteria provided, multiple submitters, no conflicts (2 of 4 stars). 3 submissions from 2 submitters: Benign (3). Last evaluated 2018-01-13.

Conditions:
Familial hyperinsulinism. Also called: Congenital hyperinsulinism. Identifiers: Orphanet 276525, MedGen C3888018, MONDO:0017182. Disease mechanism: loss of function.
Maturity-onset diabetes of the young (MODY). Also called: Maturity onset diabetes mellitus in young. Identifiers: Orphanet 552, MedGen C0342276, MONDO:0018911, HP:0004904.
Maturity-onset diabetes of the young type 1. Also called: MILD JUVENILE DIABETES MELLITUS; MODY, type I; MODY type 1; Diabetes mellitus MODY type 1; MODY HNF4A related; HNF4A-Related Maturity-Onset Diabetes of the Young Type 1. Identifiers: Orphanet 552, MedGen C1852093, MONDO:0007452, OMIM 125850. Disease mechanism: loss of function.

Allele frequency attached by ClinVar (database versions not stated): gnomAD 0.01555 and 0.01679; 1000 Genomes Project 0.01558; 1000 Genomes Project 30x 0.01608; TOPMed 0.01784.

Submissions (3):

Illumina Laboratory Services, Illumina
Classification: Benign for Maturity-onset diabetes of the young type 1. Last evaluated: 2018-01-13. Review status: criteria provided, single submitter. Criteria: ICSL Variant Classification Criteria 13 December 2019. Collection method: clinical testing. Allele origin: germline.
Comment: This variant was observed in the ICSL laboratory as part of a predisposition screen in an ostensibly healthy population. It had not been previously curated by ICSL or reported in the Human Gene Mutation Database (HGMD: prior to June 1st, 2018), and was therefore a candidate for classification through an automated scoring system. Utilizing variant allele frequency, disease prevalence and penetrance estimates, and inheritance mode, an automated score was calculated to assess if this variant is too frequent to cause the disease. Based on the score and internal cut-off values, a variant classified as benign is not then subjected to further curation. The score for this variant resulted in a classification of benign for this disease.

Illumina Laboratory Services, Illumina
Classification: Benign for Familial hyperinsulinism. Last evaluated: 2018-01-13. Review status: criteria provided, single submitter. Criteria: ICSL Variant Classification Criteria 13 December 2019. Collection method: clinical testing. Allele origin: germline.
Comment: the same text as in the submission from Illumina Laboratory Services, Illumina above.

Clinical Genomics, Uppaluri K&H Personalized Medicine Clinic
Classification: Benign for Maturity-onset diabetes of the young. Review status: criteria provided, single submitter. Criteria: K & H Uppaluri Personalized Medicine Clinic Variant Classification & Assertion Criteria_Updated V.1. Collection method: research. Allele origin: unknown. Inheritance: Autosomal dominant inheritance.
Comment: Potent mutations in HNF4A are associated with poor insulin secretion in response to hyperglycemia. Associated with MODY1. Patients initially respond well to sulfonylureas but eventually become insulin dependent. However, more evidence is required to ascertain the role of this particular variant rs76705771 in MODY, yet.

Literature cited by the submitters: DOI 10.1159/000334532 (cited by Clinical Genomics, Uppaluri K&H Personalized Medicine Clinic); PubMed 18268044 (cited by Clinical Genomics, Uppaluri K&H Personalized Medicine Clinic); PubMed 17563455 (cited by Clinical Genomics, Uppaluri K&H Personalized Medicine Clinic); PubMed 32583173 (cited by Clinical Genomics, Uppaluri K&H Personalized Medicine Clinic); PubMed 35052457 (cited by Clinical Genomics, Uppaluri K&H Personalized Medicine Clinic); PubMed 35118593 (cited by Clinical Genomics, Uppaluri K&H Personalized Medicine Clinic).

NM_175914.5(HNF4A):c.*2533G>A

Gene: HNF4A (hepatocyte nuclear factor 4 alpha; plus strand). Cytogenetic location: 20q13.12.
Variant type: single nucleotide variant.
Coding change: c.*2533G>A on transcript NM_175914.5 (MANE Select); 2533 bases downstream of the stop codon, G replaced by A.
Molecular consequence: 3 prime UTR variant.
Genome position (GRCh38, 1-based): chr20:44,432,198, G>A. VCF-style: chr20-44432198-G-A. GRCh37 (hg19) VCF-style: chr20-43060838-G-A.
Other names: c.*2533G>A (NM_000457.6, NM_001030003.3, NM_001258355.2 and 3 more transcripts).
Identifiers: ClinVar variation 338471 (VCV000338471.6), dbSNP rs76705771, ClinGen allele CA10653131.